The following is an entry in ClinVar:

NM_183422.4(TSC22D1):c.2889C>G (p.Pro963=)

Gene: TSC22D1 (TSC22 domain family member 1; minus strand). Cytogenetic location: 13q14.11.
Variant type: single nucleotide variant.
Coding change: c.2889C>G on transcript NM_183422.4 (MANE Select); coding-DNA position 2889, C replaced by G.
Protein change: p.Pro963=; no amino-acid change (proline 963 retained).
Molecular consequence: synonymous variant. On other transcripts: intron variant (1).
Genome position (GRCh38, 1-based): chr13:44,573,186, G>C on the plus strand (C>G on the coding strand, the complement: TSC22D1 is on the minus strand). VCF-style: chr13-44573186-G-C. GRCh37 (hg19) VCF-style: chr13-45147322-G-C.
Other names: c.1663+1226C>G (NM_001243799.1).
Identifiers: ClinVar variation 2643798 (VCV002643798.24), dbSNP rs113537658, ClinGen allele CA6969599.

ClinVar aggregate classification (germline): Likely benign (1 of 4 stars; one submission).

Allele frequency attached by ClinVar (database versions not stated): ESP Exome Variant Server 0.00046; 1000 Genomes Project 0.00180; 1000 Genomes Project 30x 0.00219.
gnomAD v4.1: 1,909 of 1,614,116 alleles (0.12%); highest among the groups gnomAD compares: Middle Eastern, 1.3%; 9 homozygotes.

Submission:

CeGaT Center for Human Genetics Tuebingen
Classification: Likely benign. Last evaluated: 2023-06-01. Review status: criteria provided, single submitter. Criteria: CeGaT Center For Human Genetics Tuebingen Variant Classification Criteria Version 2. Collection method: clinical testing. Allele origin: germline. Affected: yes. Observed: 1 variant allele.
Comment: TSC22D1: BP4, BP7